The following is an entry in ClinVar:

NM_001967.4(EIF4A2):c.1096C>T (p.Arg366Ter)

Gene: EIF4A2 (eukaryotic translation initiation factor 4A2; plus strand). Cytogenetic location: 3q27.3.
Variant type: single nucleotide variant.
Coding change: c.1096C>T on transcript NM_001967.4 (MANE Select); coding-DNA position 1096, C replaced by T.
Protein change: p.Arg366Ter; replaces arginine 366 with a stop codon.
Molecular consequence: nonsense.
Genome position (GRCh38, 1-based): chr3:186,789,141, C>T. VCF-style: chr3-186789141-C-T. GRCh37 (hg19) VCF-style: chr3-186506930-C-T.
Other names: short protein forms R366*.
Identifiers: ClinVar variation 2572859 (VCV002572859.1), dbSNP rs1213509261, ClinGen allele CA355727394.

ClinVar aggregate classification (germline): Uncertain significance (1 of 4 stars; one submission).

Allele frequency attached by ClinVar (database versions not stated): TOPMed 0.00001.

Submission:

GeneDx
Classification: Uncertain significance. Last evaluated: 2023-01-13. Review status: criteria provided, single submitter. Criteria: GeneDx Variant Classification Process June 2021. Collection method: clinical testing. Allele origin: germline. Affected: yes.
Comment: Nonsense variant predicted to result in protein truncation as the last 42 amino acids are lost; Not observed at significant frequency in large population cohorts (gnomAD); Has not been previously published as pathogenic or benign to our knowledge